The following is an entry in ClinVar:

ClinVar aggregate classification (germline): Pathogenic (1 of 4 stars; one submission).

Submission:

Labcorp Genetics (formerly Invitae), Labcorp
Classification: Pathogenic. Last evaluated: 2022-12-02. Review status: criteria provided, single submitter. Criteria: Invitae Variant Classification Sherloc (09022015). Collection method: clinical testing. Allele origin: germline.
Comment: For these reasons, this variant has been classified as Pathogenic. ClinVar contains an entry for this variant (Variation ID: 1454259). This variant has not been reported in the literature in individuals affected with CPLANE1-related conditions. This variant is not present in population databases (gnomAD no frequency). This sequence change creates a premature translational stop signal (p.Leu809*) in the CPLANE1 gene. It is expected to result in an absent or disrupted protein product. Loss-of-function variants in CPLANE1 are known to be pathogenic (PMID: 24178751, 26092869).

Literature cited by the submitters: PubMed 24178751; PubMed 26092869.

NM_001384732.1(CPLANE1):c.2426T>A (p.Leu809Ter)

Gene: CPLANE1 (ciliogenesis and planar polarity effector complex subunit 1; minus strand). Cytogenetic location: 5p13.2.
Variant type: single nucleotide variant.
Coding change: c.2426T>A on transcript NM_001384732.1 (MANE Select); coding-DNA position 2426, T replaced by A.
Protein change: p.Leu809Ter; replaces leucine 809 with a stop codon.
Molecular consequence: nonsense.
Genome position (GRCh38, 1-based): chr5:37,224,606, A>T on the plus strand (T>A on the coding strand, the complement: CPLANE1 is on the minus strand). VCF-style: chr5-37224606-A-T. GRCh37 (hg19) VCF-style: chr5-37224708-A-T.
Other names: c.2426T>A, p.Leu809Ter (NM_023073.4); short protein forms L809*.
Identifiers: ClinVar variation 1454259 (VCV001454259.6), dbSNP rs2150399759, ClinGen allele CA359492709.
Genomic context (GRCh38, chr5:37,224,606, plus strand): 5'-AGTTCTAAGGTTTGATTCAAGCAATCTCCAGTACTCTGTAGGTTAGCCTGCAAATGACAT[A>T]ACAGGGACTTGACAGTAGATGCTTCATGTGTCATCTTTTCAGTTAACTGACTATCAGCTT-3'